The following is an entry in ClinVar:

ClinVar aggregate classification (germline): Uncertain significance (1 of 4 stars; one submission).

Conditions:
Peroxisome biogenesis disorder 11A (Zellweger). Also called: Peroxisome biogenesis disorder 11A. Identifiers: Orphanet 912, MedGen C3554000, MONDO:0013949, OMIM 614883.

Allele frequency attached by ClinVar (database versions not stated): gnomAD 0.00001; TOPMed 0.00002.
gnomAD v4.1: 19 of 1,613,994 alleles (0.0012%); highest among the groups gnomAD compares: East Asian, 0.0045%; no homozygotes.

Submission:

Labcorp Genetics (formerly Invitae), Labcorp
Classification: Uncertain significance for Peroxisome biogenesis disorder 11A (Zellweger). Last evaluated: 2022-09-06. Review status: criteria provided, single submitter. Criteria: Invitae Variant Classification Sherloc (09022015). Collection method: clinical testing. Allele origin: germline.
Comment: This sequence change replaces arginine, which is basic and polar, with cysteine, which is neutral and slightly polar, at codon 107 of the PEX13 protein (p.Arg107Cys). This variant is present in population databases (rs776824458, gnomAD 0.005%). This variant has not been reported in the literature in individuals affected with PEX13-related conditions. ClinVar contains an entry for this variant (Variation ID: 1347379). Algorithms developed to predict the effect of missense changes on protein structure and function are either unavailable or do not agree on the potential impact of this missense change (SIFT: "Deleterious"; PolyPhen-2: "Benign"; Align-GVGD: "Class C0"). In summary, the available evidence is currently insufficient to determine the role of this variant in disease. Therefore, it has been classified as a Variant of Uncertain Significance.

NM_002618.4(PEX13):c.319C>T (p.Arg107Cys)

Gene: PEX13 (peroxisomal biogenesis factor 13; plus strand). Cytogenetic location: 2p15.
Variant type: single nucleotide variant.
Coding change: c.319C>T on transcript NM_002618.4 (MANE Select); coding-DNA position 319, C replaced by T.
Protein change: p.Arg107Cys; replaces arginine 107 with cysteine.
Molecular consequence: missense variant.
Genome position (GRCh38, 1-based): chr2:61,031,645, C>T. VCF-style: chr2-61031645-C-T. GRCh37 (hg19) VCF-style: chr2-61258780-C-T.
Other names: short protein forms R107C.
Identifiers: ClinVar variation 1347379 (VCV001347379.3), dbSNP rs776824458, ClinGen allele CA48342119.
Genomic context (GRCh38, chr2:61,031,645, plus strand): 5'-AATTCATTTTATGGAGGCTATAGTCCTTATAGTTATGGATATAATGGGCTGGGCTACAAC[C>T]GCCTCCGTGTAGATGATCTTCCACCCAGTAGATTTGTTCAGCAAGCTGAAGAAAGCAGCA-3'
Protein context (NP_002609.1, residues 97-117): SYGYNGLGYN[Arg107Cys]LRVDDLPPSR